The following is an entry in ClinVar:

ClinVar aggregate classification (germline): Uncertain significance (1 of 4 stars; one submission).

Conditions:
Congenital heart defects, dysmorphic facial features, and intellectual developmental disorder (CHDFIDD). Identifiers: Orphanet 646278, MedGen C4479246, MONDO:0044302, OMIM 617360.

Submission:

Victorian Clinical Genetics Services, Murdoch Childrens Research Institute
Classification: Uncertain significance for Congenital heart defects, dysmorphic facial features, and intellectual developmental disorder. Last evaluated: 2025-01-20. Review status: criteria provided, single submitter. Criteria: ACMG Guidelines, 2015. Collection method: clinical testing. Allele origin: germline.
Comment: This variant is classified as VUS-3A. Evidence in support of pathogenic classification: Variant is predicted to cause nonsense-mediated decay (NMD) and loss of protein (premature termination codon is located at least 54 nucleotides upstream of the final exon-exon junction); Variant is absent from gnomAD (v2, v3 and v4). Additional information: This variant is heterozygous; This gene is associated with autosomal dominant disease; This variant has no previous evidence of pathogenicity; No published segregation evidence has been identified for this variant; No published functional evidence has been identified for this variant; Other NMD-predicted variant(s) comparable to the one identified in this case have conflicting previous evidence for pathogenicity. Other NMD-predicted variants have been reported as VUS, likely pathogenic and pathogenic in ClinVar, and in individuals with neurodevelopmental disorders in the literature (PMID: 29393965, 31238879); The mechanism of disease for this gene is not clearly established. Loss of function and dominant negative are suggested mechanisms of disease (PMIDs: 29393965, 30904094, 32762766).

Literature cited by the submitters: PubMed 31238879; PubMed 32762766; PubMed 30904094; PubMed 29393965.

NM_003718.5(CDK13):c.2625dup (p.Thr876fs)

Gene: CDK13 (cyclin dependent kinase 13; plus strand). Cytogenetic location: 7p14.1.
Variant type: Duplication.
Coding change: c.2625dup on transcript NM_003718.5 (MANE Select); coding-DNA position 2625, one base duplicated (T; older notation c.2625dupT).
Protein change: p.Thr876fs; shifts the reading frame from threonine 876.
Molecular consequence: frameshift variant.
Genome position (GRCh38, 1-based): chr7:40,062,850, T duplicated; the last of 2 consecutive T bases (chr7:40,062,849-40,062,850); duplicating either gives the same sequence. VCF-style (leftmost placement, unchanged base first): chr7-40062848-A-AT. GRCh37 (hg19) VCF-style: chr7-40102447-A-AT.
Other names: c.2625dup, p.Thr876Tyrfs (NM_031267.4); short protein forms T876fs.
Identifiers: ClinVar variation 4532069 (VCV004532069.1).